The following is an entry in ClinVar:

ClinVar aggregate classification (germline): Uncertain significance (1 of 4 stars; one submission).

Conditions:
Neurofibromatosis, type 1 (NF1). Also called: VON RECKLINGHAUSEN DISEASE; Peripheral type neurofibromatosis; Neurofibromatosis, type I; NEUROFIBROMATOSIS, TYPE I, SOMATIC. Identifiers: Orphanet 636, MedGen C0027831, MONDO:0018975, OMIM 162200. Disease mechanism: loss of function.

gnomAD v4.1: 2 of 1,614,120 alleles (0.00012%); highest among the groups gnomAD compares: Non-Finnish European, 0.00017%; no homozygotes.

Submission:

Labcorp Genetics (formerly Invitae), Labcorp
Classification: Uncertain significance for Neurofibromatosis, type 1. Last evaluated: 2025-04-01. Review status: criteria provided, single submitter. Criteria: Invitae Variant Classification Sherloc (09022015). Collection method: clinical testing. Allele origin: germline.
Comment: This sequence change replaces glutamic acid, which is acidic and polar, with glycine, which is neutral and non-polar, at codon 1330 of the NF1 protein (p.Glu1330Gly). This variant is not present in population databases (gnomAD no frequency). This variant has not been reported in the literature in individuals affected with NF1-related conditions. ClinVar contains an entry for this variant (Variation ID: 1378572). Invitae Evidence Modeling of protein sequence and biophysical properties (such as structural, functional, and spatial information, amino acid conservation, physicochemical variation, residue mobility, and thermodynamic stability) indicates that this missense variant is expected to disrupt NF1 protein function with a positive predictive value of 95%. In summary, the available evidence is currently insufficient to determine the role of this variant in disease. Therefore, it has been classified as a Variant of Uncertain Significance.

NM_001042492.3(NF1):c.3989A>G (p.Glu1330Gly)

Gene: NF1 (neurofibromin 1; plus strand). Cytogenetic location: 17q11.2.
Variant type: single nucleotide variant.
Coding change: c.3989A>G on transcript NM_001042492.3 (MANE Select); coding-DNA position 3989, A replaced by G.
Protein change: p.Glu1330Gly; replaces glutamic acid 1330 with glycine.
Molecular consequence: missense variant.
Genome position (GRCh38, 1-based): chr17:31,248,998, A>G. VCF-style: chr17-31248998-A-G. GRCh37 (hg19) VCF-style: chr17-29576016-A-G.
Other names: c.3989A>G, p.Glu1330Gly (NM_000267.4); short protein forms E1330G.
Identifiers: ClinVar variation 1378572 (VCV001378572.6), dbSNP rs1256727206, ClinGen allele CA398994835.